The following is an entry in ClinVar:

GRCh37/hg19 3q28-29(chr3:187913567-197851986)x3

Genes: ATP13A4 (ATPase 13A4; minus strand), LRRC15 (leucine rich repeat containing 15; minus strand), TM4SF19 (transmembrane 4 L six family member 19; minus strand), TMEM207 (transmembrane protein 207; minus strand), TMEM44 (transmembrane protein 44; minus strand) and 59 more. Cytogenetic location: 3q28-29.
Variant type: copy number gain.
Change: copy number 3 (three copies instead of two) of chr3:187,913,567-197,851,986 (9.94 Mb, GRCh37 coordinates, 1-based), cytogenetic band 3q28-29.
Identifiers: ClinVar variation 562855 (VCV000562855.2).

ClinVar aggregate classification (germline): Pathogenic (1 of 4 stars; one submission).

Submission:

Quest Diagnostics Nichols Institute San Juan Capistrano
Classification: Pathogenic. Last evaluated: 2024-12-30. Review status: criteria provided, single submitter. Criteria: ACMG/ClinGen CNV Guidelines, 2019. Collection method: clinical testing. Allele origin: unknown.
Comment: This duplication involves at least 63 protein-coding genes and overlaps the chromosome 3q29 microduplication syndromic region (OMIM 611936), including proposed critical genes DLG1 and/or BDH1 (Coyan 2020, Tassano 2018). 3q29 microduplication syndrome is characterized by a highly variable range of phenotypes (Ballif 2008, Coyan 2020, Fernandez-Jaen 2014, Goobie 2008, Lisi 2008, Pollak 2020, Streata 2020, Tassano 2018, Vitale 2018). Of note, while enrichment of 3q29 duplications seen in a large case/control study of neurodevelopmental disorders did not reach statistical significance (Coe 2014), incomplete penetrance has been suggested and there have been multiple instances of individuals inheriting the duplication from parents with subclinical presentation or who are ostensibly unaffected (Goobie 2008, Coyan 2020, Vitale 2018, Bauleo 2023). There are no similar copy number gains spanning the entire current interval in the general populations of the Database of Genomic Variants. Thus, based on gene content and current medical literature, this copy number variant (CNV) is classified as pathogenic with variable expressivity. References: Bauleo et al., Mol Genet Genomic Med. 2023 Apr;11(4):e2130. PMID: 36691815 Ballif et al., Mol Cytogenet. 2008 Apr 28;1:8. PMID: 18471269 Coe et al., Nat Genet. 2014 Oct;46(10):1063-71. PMID: 25217958 Coyan et al., Eur J Med Genet. 2020 Dec;63(12):104083. PMID: 33039685 Fernandez-Jaen et al., Am J Med Genet A. 2014 Aug;164A(8):2043-7. PMID: 24838842 Goobie et al., Cytogenet Genome Res. 2008;123(1-4):65-78. PMID: 19287140 Lisi et al., Am J Med Genet A. 2008 Mar 1;146A(5):601-9. PMID: 18241066 Pollak et al., Am J Med Genet A. 2020 May;182(5):1152-1166. PMID: 32154651 Streata et al., Curr Health Sci J. 2020 Apr-Jun;46(2):193-197. PMID: 32874693 Tassano et al., Eur J Med Genet. 2018 Aug;61(8):428-433. PMID: 29501613 Vitale et al., Clin Chem Lab Med. 2018 Jun 27;56(7):e167-e170. PMID: 29306918